The following is an entry in ClinVar:

NM_133433.4(NIPBL):c.7553A>G (p.Asp2518Gly)

Gene: NIPBL (NIPBL cohesin loading factor; plus strand). Cytogenetic location: 5p13.2.
Variant type: single nucleotide variant.
Coding change: c.7553A>G on transcript NM_133433.4 (MANE Select); coding-DNA position 7553, A replaced by G.
Protein change: p.Asp2518Gly; replaces aspartic acid 2518 with glycine.
Molecular consequence: missense variant.
Genome position (GRCh38, 1-based): chr5:37,059,033, A>G. VCF-style: chr5-37059033-A-G. GRCh37 (hg19) VCF-style: chr5-37059135-A-G.
Other names: c.7553A>G, p.Asp2518Gly (NM_015384.5); short protein forms D2518G.
Identifiers: ClinVar variation 1501961 (VCV001501961.6), dbSNP rs756187678, ClinGen allele CA3237229.

ClinVar aggregate classification (germline): Uncertain significance (1 of 4 stars; one submission).

Conditions:
Cornelia de Lange syndrome 1 (CDLS1). Also called: Brachmann de Lange syndrome; NIPBL-Related Cornelia de Lange Syndrome; TYPUS DEGENERATIVUS AMSTELODAMENSIS. Identifiers: Orphanet 199, MedGen C4551851, MONDO:0007387, OMIM 122470.

Allele frequency attached by ClinVar (database versions not stated): gnomAD exomes below 0.00001; ExAC 0.00001.
gnomAD v4.1: 1 of 1,614,234 alleles (0.000062%); highest among the groups gnomAD compares: Non-Finnish European, 0.000085%; no homozygotes.

Submission:

Labcorp Genetics (formerly Invitae), Labcorp
Classification: Uncertain significance for Cornelia de Lange syndrome 1. Last evaluated: 2022-06-05. Review status: criteria provided, single submitter. Criteria: Invitae Variant Classification Sherloc (09022015). Collection method: clinical testing. Allele origin: germline.
Comment: ClinVar contains an entry for this variant (Variation ID: 1501961). Advanced modeling of protein sequence and biophysical properties (such as structural, functional, and spatial information, amino acid conservation, physicochemical variation, residue mobility, and thermodynamic stability) performed at Invitae indicates that this missense variant is expected to disrupt NIPBL protein function. This variant has not been reported in the literature in individuals affected with NIPBL-related conditions. Algorithms developed to predict the effect of sequence changes on RNA splicing suggest that this variant may create or strengthen a splice site. In summary, the available evidence is currently insufficient to determine the role of this variant in disease. Therefore, it has been classified as a Variant of Uncertain Significance. This sequence change replaces aspartic acid, which is acidic and polar, with glycine, which is neutral and non-polar, at codon 2518 of the NIPBL protein (p.Asp2518Gly). This variant is present in population databases (rs756187678, gnomAD 0.0009%).